The following is an entry in ClinVar:

ClinVar aggregate classification (germline): Benign. Review status: criteria provided, multiple submitters, no conflicts (2 of 4 stars). 4 submissions from 4 submitters: Benign (4). Last evaluated 2026-02-04.

Allele frequency attached by ClinVar (database versions not stated): gnomAD 0.79030 and 0.79458; ESP Exome Variant Server 0.80656; ExAC 0.85096; TOPMed 0.78268; gnomAD exomes 0.85919; 1000 Genomes Project 30x 0.74547; 1000 Genomes Project 0.75659.

Submissions (4):

Labcorp Genetics (formerly Invitae), Labcorp
Classification: Benign. Last evaluated: 2026-02-04. Review status: criteria provided, single submitter. Criteria: Invitae Variant Classification Sherloc (09022015). Collection method: clinical testing. Allele origin: germline.

Mayo Clinic Laboratories, Mayo Clinic
Classification: Benign. Last evaluated: 2022-11-14. Review status: criteria provided, single submitter. Criteria: ACMG Guidelines, 2015. Collection method: clinical testing. Allele origin: germline. Observed: 143 variant alleles.
Comment: BA1, BP4

GeneDx
Classification: Benign. Last evaluated: 2019-01-10. Review status: criteria provided, single submitter. Criteria: GeneDx Variant Classification Process June 2021. Collection method: clinical testing. Allele origin: germline. Affected: yes.
Comment: This variant is associated with the following publications: (PMID: 19435634)

Breakthrough Genomics
Classification: Benign. Review status: criteria provided, single submitter. Criteria: ACMG Guidelines, 2015. Collection method: not provided. Allele origin: germline. Inheritance: Autosomal recessive inheritance. Affected: yes.

NM_005560.6(LAMA5):c.3773T>C (p.Met1258Thr)

Gene: LAMA5 (laminin subunit alpha 5; minus strand). Cytogenetic location: 20q13.33.
Variant type: single nucleotide variant.
Coding change: c.3773T>C on transcript NM_005560.6 (MANE Select); coding-DNA position 3773, T replaced by C.
Protein change: p.Met1258Thr; replaces methionine 1258 with threonine.
Molecular consequence: missense variant.
Genome position (GRCh38, 1-based): chr20:62,330,822, A>G on the plus strand (T>C on the coding strand, the complement: LAMA5 is on the minus strand). VCF-style: chr20-62330822-A-G. GRCh37 (hg19) VCF-style: chr20-60905878-A-G.
Other names: p.Met1258Thr; short protein forms M1258T.
Identifiers: ClinVar variation 1233173 (VCV001233173.13), dbSNP rs3810548, ClinGen allele CA9942861.